The following is an entry in ClinVar:

ClinVar aggregate classification (germline): Uncertain significance (1 of 4 stars; one submission).

Conditions:
ACACB-related disorder. Also called: ACACB-related condition.

gnomAD v4.1: 40 of 1,609,266 alleles (0.0025%); highest among the groups gnomAD compares: East Asian, 0.0045%; no homozygotes.

Submission:

PreventionGenetics, part of Exact Sciences
Classification: Uncertain significance for ACACB-related condition. Last evaluated: 2024-12-27. Review status: criteria provided, single submitter. Criteria: ACMG Guidelines, 2015. Collection method: clinical testing. Allele origin: germline.
Comment: The ACACB c.1216G>A variant is predicted to result in the amino acid substitution p.Gly406Ser. To our knowledge, this variant has not been reported in the literature. This variant is reported in 0.0051% of alleles in individuals of East Asian descent in gnomAD. At this time, the clinical significance of this variant is uncertain due to the absence of conclusive functional and genetic evidence.

NM_001093.4(ACACB):c.1216G>A (p.Gly406Ser)

Gene: ACACB (acetyl-CoA carboxylase beta; plus strand). Cytogenetic location: 12q24.11.
Variant type: single nucleotide variant.
Coding change: c.1216G>A on transcript NM_001093.4 (MANE Select); coding-DNA position 1216, G replaced by A.
Protein change: p.Gly406Ser; replaces glycine 406 with serine.
Molecular consequence: missense variant.
Genome position (GRCh38, 1-based): chr12:109,174,230, G>A. VCF-style: chr12-109174230-G-A. GRCh37 (hg19) VCF-style: chr12-109612035-G-A.
Other names: c.1216G>A, p.Gly406Ser (NM_001412734.1, NM_001412735.1); c.610G>A, p.Gly204Ser (NM_001412736.1, NM_001412738.1, NM_001412739.1 and 2 more transcripts); c.589G>A, p.Gly197Ser (NM_001412737.1); short protein forms G204S, G197S, G406S.
Identifiers: ClinVar variation 4989300 (VCV004989300.1).